The following is an entry in ClinVar:

ClinVar aggregate classification (germline): Likely pathogenic. Review status: criteria provided, multiple submitters, no conflicts (2 of 4 stars). 2 submissions from 2 submitters: Likely pathogenic (2). Last evaluated 2026-02-23.

Conditions:
Tangier disease (TGD). Also called: HIGH DENSITY LIPOPROTEIN DEFICIENCY, TANGIER TYPE; HIGH DENSITY LIPOPROTEIN DEFICIENCY, TYPE 1; Cholesterol thesaurismosis. Identifiers: Orphanet 31150, MedGen C0039292, MONDO:0008783, OMIM 205400.
Cardiovascular phenotype. Identifiers: MedGen CN230736.

Allele frequency attached by ClinVar (database versions not stated): gnomAD 0.00001; ExAC 0.00002.
gnomAD v4.1: 9 of 1,613,896 alleles (0.00056%); highest among the groups gnomAD compares: Non-Finnish European, 0.00076%; no homozygotes.

Submissions (2):

Ambry Genetics
Classification: Likely pathogenic for Cardiovascular phenotype. Last evaluated: 2026-02-23. Review status: criteria provided, single submitter. Criteria: Ambry Variant Classification Scheme 2023. Collection method: clinical testing. Allele origin: germline.
Comment: The c.6238C>T (p.R2080W) alteration is located in exon 47 (coding exon 46) of the ABCA1 gene. This alteration results from a C to T substitution at nucleotide position 6238, causing the arginine (R) at amino acid position 2080 to be replaced by a tryptophan (W). Based on data from gnomAD, the T allele has an overall frequency of 0.001% (3/282620) total alleles studied. The highest observed frequency was 0.002% (3/128968) of European (non-Finnish) alleles. This amino acid position is highly conserved in available vertebrate species. This alteration is predicted to be deleterious by in silico analysis. Based on the available evidence, this alteration is classified as likely pathogenic.

First Genomix Gene Laboratory, Genetic Diagnostics Department
Classification: Likely pathogenic for Tangier disease. Last evaluated: 2025-09-19. Review status: criteria provided, single submitter. Criteria: ACMG Guidelines, 2015. Collection method: clinical testing. Allele origin: germline. Inheritance: Autosomal recessive inheritance. Affected: no. Observed: 1 variant allele.

NM_005502.4(ABCA1):c.6238C>T (p.Arg2080Trp)

Genes: ABCA1 (ATP binding cassette subfamily A member 1; minus strand), NIPSNAP3B (nipsnap homolog 3B; plus strand). Cytogenetic location: 9q31.1.
Variant type: single nucleotide variant.
Coding change: c.6238C>T on transcript NM_005502.4 (MANE Select); coding-DNA position 6238, C replaced by T.
Protein change: p.Arg2080Trp; replaces arginine 2080 with tryptophan.
Molecular consequence: missense variant.
Genome position (GRCh38, 1-based): chr9:104,786,943, G>A on the plus strand (C>T on the coding strand, the complement: ABCA1 is on the minus strand). VCF-style: chr9-104786943-G-A. GRCh37 (hg19) VCF-style: chr9-107549224-G-A.
Other names: short protein forms R2080W.
Identifiers: ClinVar variation 3078691 (VCV003078691.2), dbSNP rs780321144, ClinGen allele CA5167596.